The following is an entry in ClinVar:

NM_022841.7(RFX7):c.2281del (p.Glu761fs)

Gene: RFX7 (regulatory factor X7; minus strand). Cytogenetic location: 15q21.3.
Variant type: Deletion.
Coding change: c.2281del on transcript NM_022841.7 (MANE Select); coding-DNA position 2281, one base deleted (G; older notation c.2281delG).
Protein change: p.Glu761fs; shifts the reading frame from glutamic acid 761.
Molecular consequence: frameshift variant.
Genome position (GRCh38, 1-based): chr15:56,095,447, C deleted on the plus strand (G on the coding strand, the reverse complement: RFX7 is on the minus strand). VCF-style (leftmost placement, unchanged base first): chr15-56095446-TC-T. GRCh37 (hg19) VCF-style: chr15-56387644-TC-T.
Other names: c.1990del, p.Glu664fs (NM_001368073.2, NM_001368074.1, NM_001370554.1); c.2281del, p.Glu761fs (NM_001370561.1); short protein forms E664fs, E761fs.
Identifiers: ClinVar variation 4883921 (VCV004883921.2).

ClinVar aggregate classification (germline): Uncertain significance (1 of 4 stars; one submission).

Conditions:
Intellectual developmental disorder, autosomal dominant 71, with behavioral abnormalities (MRD71). Identifiers: MedGen C5830437, MONDO:0957228, OMIM 620330.

Submission:

Dasa
Classification: Uncertain significance for Intellectual developmental disorder, autosomal dominant 71, with behavioral abnormalities. Last evaluated: 2025-10-18. Review status: criteria provided, single submitter. Criteria: DASA Assertion Criteria. Collection method: clinical testing. Allele origin: germline.
Comment: NM_022841.7(RFX7):c.2281del (p.Glu761Lysfs*45) is a frameshift variant in RFX7 predicted to alter the reading frame and introduce a premature termination codon and is predicted to result in an absent or altered protein product. Loss of function is an established disease mechanism for RFX7-associated disorders. Also, this variant is absent from population databases. The currently available literature and clinical evidence are not sufficient to establish a definitive association between this variant and the reported condition. Therefore, this variant is classified as a variant of uncertain significance.